The following is an entry in ClinVar:

ClinVar aggregate classification (germline): Uncertain significance (1 of 4 stars; one submission).

Conditions:
Acrocallosal syndrome (ACLS). Also called: HALLUX DUPLICATION, POSTAXIAL POLYDACTYLY, AND ABSENCE OF CORPUS CALLOSUM; Schinzel syndrome 1; Absence of corpus callosum with unusual facial appearance, mental deficiency, duplication of the halluces and polydactyly. Identifiers: Orphanet 36, MedGen C0796147, MONDO:0008708, OMIM 200990.

gnomAD v4.1: 1 of 1,613,688 alleles (0.000062%); highest among the groups gnomAD compares: African/African-American, 0.0013%; no homozygotes.

Submission:

Labcorp Genetics (formerly Invitae), Labcorp
Classification: Uncertain significance for Acrocallosal syndrome. Last evaluated: 2017-04-04. Review status: criteria provided, single submitter. Criteria: Invitae Variant Classification Sherloc (09022015). Collection method: clinical testing. Allele origin: germline.
Comment: This variant is not present in population databases (ExAC no frequency) and has not been reported in the literature in individuals with a KIF7-related disease. In summary, this variant is a novel missense change with uncertain impact on protein function. It has been classified as a Variant of Uncertain Significance. Algorithms developed to predict the effect of missense changes on protein structure and function (SIFT, PolyPhen-2, Align-GVGD) all suggest that this variant is likely to be disruptive, but these predictions have not been confirmed by published functional studies. This sequence change replaces threonine with lysine at codon 807 of the KIF7 protein (p.Thr807Lys). The threonine residue is highly conserved and there is a moderate physicochemical difference between threonine and lysine.

NM_198525.3(KIF7):c.2420C>A (p.Thr807Lys)

Gene: KIF7 (kinesin family member 7; minus strand). Cytogenetic location: 15q26.1.
Variant type: single nucleotide variant.
Coding change: c.2420C>A on transcript NM_198525.3 (MANE Select); coding-DNA position 2420, C replaced by A.
Protein change: p.Thr807Lys; replaces threonine 807 with lysine.
Molecular consequence: missense variant.
Genome position (GRCh38, 1-based): chr15:89,633,858, G>T on the plus strand (C>A on the coding strand, the complement: KIF7 is on the minus strand). VCF-style: chr15-89633858-G-T. GRCh37 (hg19) VCF-style: chr15-90177089-G-T.
Other names: short protein forms T807K.
Identifiers: ClinVar variation 463143 (VCV000463143.7), dbSNP rs757175418, ClinGen allele CA393760056.